The following is an entry in ClinVar:

ClinVar aggregate classification (germline): Likely benign (1 of 4 stars; one submission).

gnomAD v4.1: 37 of 1,613,520 alleles (0.0023%); highest among the groups gnomAD compares: Admixed American, 0.035%; no homozygotes.

Submission:

CeGaT Center for Human Genetics Tuebingen
Classification: Likely benign. Last evaluated: 2026-08-01. Review status: criteria provided, single submitter. Criteria: CeGaT Center For Human Genetics Tuebingen Variant Classification Criteria Version 2. Collection method: clinical testing. Allele origin: germline. Affected: yes. Observed: 1 variant allele.
Comment: TAF6: BP4, BP7

NM_139315.3(TAF6):c.486A>G (p.Thr162=)

Gene: TAF6 (TATA-box binding protein associated factor 6; minus strand). Cytogenetic location: 7q22.1.
Variant type: single nucleotide variant.
Coding change: c.486A>G on transcript NM_139315.3 (MANE Select); coding-DNA position 486, A replaced by G.
Protein change: p.Thr162=; no amino-acid change (threonine 162 retained).
Molecular consequence: synonymous variant. On other transcripts: non-coding transcript variant (1).
Genome position (GRCh38, 1-based): chr7:100,112,886, T>C on the plus strand (A>G on the coding strand, the complement: TAF6 is on the minus strand). VCF-style: chr7-100112886-T-C. GRCh37 (hg19) VCF-style: chr7-99710509-T-C.
Other names: c.597A>G, p.Thr199= (NM_001190415.2); c.486A>G, p.Thr162= (NM_001364998.1, NM_001364999.1, NM_005641.4); c.456A>G, p.Thr152= (NM_001365000.1, NM_001365001.1, NM_001365002.1 and 1 more transcripts); c.624A>G, p.Thr208= (NM_001365004.1).
Identifiers: ClinVar variation 5039253 (VCV005039253.1).